The following is an entry in ClinVar:

NM_002439.5(MSH3):c.2454_2456dup (p.His819dup)

Gene: MSH3 (mutS homolog 3; plus strand). Cytogenetic location: 5q14.1.
Variant type: Duplication.
Coding change: c.2454_2456dup on transcript NM_002439.5 (MANE Select); coding-DNA positions 2454 to 2456, 3 bases duplicated (TCA; older notation c.2454_2456dupTCA).
Protein change: p.His819dup; duplicates histidine 819.
Molecular consequence: inframe insertion.
Genome position (GRCh38, 1-based): chr5:80,787,583-80,787,585, TCA duplicated; duplicating any 3 consecutive bases within chr5:80,787,582-80,787,585 gives the same sequence; the c. name uses the placement nearest the transcript's 3' end. VCF-style (leftmost placement, unchanged base first): chr5-80787581-T-TATC. GRCh37 (hg19) VCF-style: chr5-80083400-T-TATC.
Identifiers: ClinVar variation 1006405 (VCV001006405.12), dbSNP rs1276598650, ClinGen allele CA560568759.

ClinVar aggregate classification (germline): Uncertain significance. Review status: criteria provided, multiple submitters, no conflicts (2 of 4 stars). 2 submissions from 2 submitters: Uncertain significance (2). Last evaluated 2025-04-18.

Conditions:
Hereditary cancer-predisposing syndrome. Also called: Hereditary neoplastic syndrome; Neoplastic Syndromes, Hereditary; Tumor predisposition; Hereditary Cancer Syndrome. Identifiers: Orphanet 140162, MedGen C0027672, MeSH D009386, MONDO:0015356.

Submissions (2):

Labcorp Genetics (formerly Invitae), Labcorp
Classification: Uncertain significance. Last evaluated: 2025-04-18. Review status: criteria provided, single submitter. Criteria: Invitae Variant Classification Sherloc (09022015). Collection method: clinical testing. Allele origin: germline.
Comment: This variant, c.2454_2456dup, results in the insertion of 1 amino acid(s) of the MSH3 protein (p.His819dup), but otherwise preserves the integrity of the reading frame. This variant is present in population databases (no rsID available, gnomAD 0.01%). This variant has not been reported in the literature in individuals affected with MSH3-related conditions. ClinVar contains an entry for this variant (Variation ID: 1006405). Experimental studies and prediction algorithms are not available or were not evaluated, and the functional significance of this variant is currently unknown. In summary, the available evidence is currently insufficient to determine the role of this variant in disease. Therefore, it has been classified as a Variant of Uncertain Significance.

Ambry Genetics
Classification: Uncertain significance for Hereditary cancer-predisposing syndrome. Last evaluated: 2025-01-10. Review status: criteria provided, single submitter. Criteria: Ambry Variant Classification Scheme 2023. Collection method: clinical testing. Allele origin: germline.
Comment: The c.2454_2456dupTCA variant (also known as p.H819dup), located in coding exon 18 of the MSH3 gene, results from an in-frame duplication of TCA at nucleotide positions 2454 to 2456. This results in the duplication of an extra histidine residue at codon 819. This amino acid position is not well conserved in available vertebrate species. In addition, this alteration is predicted to be deleterious by in silico analysis (Choi Y et al. PLoS ONE. 2012; 7(10):e46688). Since supporting evidence is limited at this time, the clinical significance of this alteration remains unclear.